The following is an entry in ClinVar:

ClinVar aggregate classification (germline): Benign. Review status: criteria provided, multiple submitters, no conflicts (2 of 4 stars). 2 submissions from 2 submitters: Benign (2). Last evaluated 2018-06-14.

Allele frequency attached by ClinVar (database versions not stated): gnomAD exomes 0.00213; 1000 Genomes Project 30x 0.01780; 1000 Genomes Project 0.01797; gnomAD 0.02043 and 0.02207; TOPMed 0.02367.
gnomAD v4.1: 5,445 of 1,211,458 alleles (0.45%); highest among the groups gnomAD compares: African/African-American, 7.2%; 185 homozygotes.

Submissions (2):

GeneDx
Classification: Benign. Last evaluated: 2018-06-14. Review status: criteria provided, single submitter. Criteria: GeneDx Variant Classification (06012015). Collection method: clinical testing. Allele origin: germline. Affected: yes.
Comment: This variant is considered likely benign or benign based on one or more of the following criteria: it is a conservative change, it occurs at a poorly conserved position in the protein, it is predicted to be benign by multiple in silico algorithms, and/or has population frequency not consistent with disease.

Breakthrough Genomics
Classification: Benign. Review status: criteria provided, single submitter. Criteria: ACMG Guidelines, 2015. Collection method: not provided. Allele origin: germline. Inheritance: Autosomal recessive inheritance. Affected: yes.

NM_014317.5(PDSS1):c.610-53A>G

Gene: PDSS1 (decaprenyl diphosphate synthase subunit 1; plus strand). Cytogenetic location: 10p12.1.
Variant type: single nucleotide variant.
Coding change: c.610-53A>G on transcript NM_014317.5 (MANE Select); 53 bases into the intron before coding-DNA position 610, A replaced by G.
Molecular consequence: intron variant.
Genome position (GRCh38, 1-based): chr10:26,723,753, A>G. VCF-style: chr10-26723753-A-G. GRCh37 (hg19) VCF-style: chr10-27012682-A-G.
Other names: c.100-53A>G (NM_001321979.2); c.610-53A>G (NM_001321978.2).
Identifiers: ClinVar variation 675924 (VCV000675924.2), dbSNP rs12250220, ClinGen allele CA204403751.